The following is an entry in ClinVar:

ClinVar aggregate classification (germline): Uncertain significance. Review status: criteria provided, multiple submitters, no conflicts (2 of 4 stars). 2 submissions from 2 submitters: Uncertain significance (2). Last evaluated 2025-03-11.

Conditions:
Hyper-IgE recurrent infection syndrome 1, autosomal dominant. Also called: STAT3 Hyper IgE Syndrome; JOB SYNDROME; Hyper-IgE recurrent infection syndrome 1; HYPER-IgE SYNDROME 1, AUTOSOMAL DOMINANT, WITH RECURRENT INFECTIONS; Job's Syndrome. Identifiers: Orphanet 2314, MedGen C2936739, MONDO:0007818, OMIM 147060.
STAT3 gain of function. Identifiers: MedGen C4288261.

Allele frequency attached by ClinVar (database versions not stated): gnomAD exomes below 0.00001; gnomAD 0.00001.
gnomAD v4.1: 5 of 1,602,746 alleles (0.00031%); highest among the groups gnomAD compares: Non-Finnish European, 0.00043%; no homozygotes.

Submissions (2):

Labcorp Genetics (formerly Invitae), Labcorp
Classification: Uncertain significance for STAT3 gain of function; Hyper-IgE recurrent infection syndrome 1, autosomal dominant. Last evaluated: 2025-03-11. Review status: criteria provided, single submitter. Criteria: Invitae Variant Classification Sherloc (09022015). Collection method: clinical testing. Allele origin: germline.
Comment: This sequence change replaces alanine, which is neutral and non-polar, with valine, which is neutral and non-polar, at codon 123 of the STAT3 protein (p.Ala123Val). This variant is present in population databases (no rsID available, gnomAD 0.007%). This variant has not been reported in the literature in individuals affected with STAT3-related conditions. ClinVar contains an entry for this variant (Variation ID: 928789). Invitae Evidence Modeling of protein sequence and biophysical properties (such as structural, functional, and spatial information, amino acid conservation, physicochemical variation, residue mobility, and thermodynamic stability) indicates that this missense variant is not expected to disrupt STAT3 protein function with a negative predictive value of 80%. In summary, the available evidence is currently insufficient to determine the role of this variant in disease. Therefore, it has been classified as a Variant of Uncertain Significance.

Women's Health and Genetics/Laboratory Corporation of America, LabCorp
Classification: Uncertain significance. Last evaluated: 2019-06-04. Review status: criteria provided, single submitter. Criteria: LabCorp Variant Classification Summary - May 2015. Collection method: clinical testing. Allele origin: germline.
Comment: Variant summary: STAT3 c.368C>T (p.Ala123Val) results in a non-conservative amino acid change in the encoded protein sequence. Three of five in-silico tools predict a benign effect of the variant on protein function. The variant allele was found at a frequency of 3.2e-05 in 31352 control chromosomes (gnomAD, genomes dataset). The available data on variant occurrences in the general population are insufficient to allow any conclusion about variant significance. To our knowledge, no occurrence of c.368C>T in individuals affected with Hyper IgE Syndrome and no experimental evidence demonstrating its impact on protein function have been reported. No clinical diagnostic laboratories have submitted clinical-significance assessments for this variant to ClinVar after 2014. Based on the evidence outlined above, the variant was classified as uncertain significance.

NM_139276.3(STAT3):c.368C>T (p.Ala123Val)

Gene: STAT3 (signal transducer and activator of transcription 3; minus strand). Cytogenetic location: 17q21.2.
Variant type: single nucleotide variant.
Coding change: c.368C>T on transcript NM_139276.3 (MANE Select); coding-DNA position 368, C replaced by T.
Protein change: p.Ala123Val; replaces alanine 123 with valine.
Molecular consequence: missense variant.
Genome position (GRCh38, 1-based): chr17:42,345,563, G>A on the plus strand (C>T on the coding strand, the complement: STAT3 is on the minus strand). VCF-style: chr17-42345563-G-A. GRCh37 (hg19) VCF-style: chr17-40497581-G-A.
Other names: c.368C>T, p.Ala123Val (NM_001369512.1, NM_001369513.1, NM_001369514.1 and 7 more transcripts); short protein forms A123V.
Identifiers: ClinVar variation 928789 (VCV000928789.3), dbSNP rs1475754644, ClinGen allele CA399596352.